The following is an entry in ClinVar:

NM_015295.3(SMCHD1):c.253G>T (p.Asp85Tyr)

Gene: SMCHD1 (structural maintenance of chromosomes flexible hinge domain containing 1; plus strand). Cytogenetic location: 18p11.32.
Variant type: single nucleotide variant.
Coding change: c.253G>T on transcript NM_015295.3 (MANE Select); coding-DNA position 253, G replaced by T.
Protein change: p.Asp85Tyr; replaces aspartic acid 85 with tyrosine.
Molecular consequence: missense variant.
Genome position (GRCh38, 1-based): chr18:2,666,223, G>T. VCF-style: chr18-2666223-G-T. GRCh37 (hg19) VCF-style: chr18-2666222-G-T.
Other names: short protein forms D85Y.
Identifiers: ClinVar variation 1993263 (VCV001993263.4), dbSNP rs2510097228, ClinGen allele CA401687446.

ClinVar aggregate classification (germline): Uncertain significance (1 of 4 stars; one submission).

Conditions:
Facioscapulohumeral muscular dystrophy 2 (FSHD2). Also called: FACIOSCAPULOHUMERAL MUSCULAR DYSTROPHY 2, DIGENIC; FSHD2, DIGENIC; MUSCULAR DYSTROPHY, FACIOSCAPULOHUMERAL, TYPE 1B. Identifiers: Orphanet 269, MedGen C1834671, MONDO:0008031, OMIM 158901.

Allele frequency attached by ClinVar (database versions not stated): gnomAD exomes below 0.00001.
gnomAD v4.1: 1 of 1,514,034 alleles (0.000066%); highest among the groups gnomAD compares: South Asian, 0.0012%; no homozygotes.

Submission:

Labcorp Genetics (formerly Invitae), Labcorp
Classification: Uncertain significance for Facioscapulohumeral muscular dystrophy 2. Last evaluated: 2022-05-12. Review status: criteria provided, single submitter. Criteria: Invitae Variant Classification Sherloc (09022015). Collection method: clinical testing. Allele origin: germline.
Comment: In summary, the available evidence is currently insufficient to determine the role of this variant in disease. Therefore, it has been classified as a Variant of Uncertain Significance. Algorithms developed to predict the effect of missense changes on protein structure and function are either unavailable or do not agree on the potential impact of this missense change (SIFT: "Deleterious"; PolyPhen-2: "Possibly Damaging"; Align-GVGD: "Class C0"). This variant has not been reported in the literature in individuals affected with SMCHD1-related conditions. This variant is not present in population databases (gnomAD no frequency). This sequence change replaces aspartic acid, which is acidic and polar, with tyrosine, which is neutral and polar, at codon 85 of the SMCHD1 protein (p.Asp85Tyr).